The following is an entry in ClinVar:

NM_002878.4(RAD51D):c.214T>C (p.Tyr72His)

Genes: RAD51D (RAD51 paralog D; minus strand), RAD51L3-RFFL (RAD51L3-RFFL readthrough; minus strand). Cytogenetic location: 17q12.
Variant type: single nucleotide variant.
Coding change: c.214T>C on transcript NM_002878.4 (MANE Select); coding-DNA position 214, T replaced by C.
Protein change: p.Tyr72His; replaces tyrosine 72 with histidine.
Molecular consequence: missense variant. On other transcripts: intron variant (2).
Genome position (GRCh38, 1-based): chr17:35,118,550, A>G on the plus strand (T>C on the coding strand, the complement: RAD51D is on the minus strand). VCF-style: chr17-35118550-A-G. GRCh37 (hg19) VCF-style: chr17-33445569-A-G.
Other names: c.144+561T>C (NM_133629.3, NM_001142571.2); short protein forms Y72H.
Identifiers: ClinVar variation 2561563 (VCV002561563.3), dbSNP rs1413506781, ClinGen allele CA399091309.

ClinVar aggregate classification (germline): Uncertain significance (1 of 4 stars; one submission).

Conditions:
Hereditary cancer-predisposing syndrome. Also called: Neoplastic Syndromes, Hereditary; Hereditary Cancer Syndrome; Hereditary neoplastic syndrome; Tumor predisposition. Identifiers: Orphanet 140162, MedGen C0027672, MeSH D009386, MONDO:0015356.

Submission:

Ambry Genetics
Classification: Uncertain significance for Hereditary cancer-predisposing syndrome. Last evaluated: 2025-09-26. Review status: criteria provided, single submitter. Criteria: Ambry Variant Classification Scheme 2023. Collection method: clinical testing. Allele origin: germline.
Comment: The p.Y72H variant (also known as c.214T>C), located in coding exon 3 of the RAD51D gene, results from a T to C substitution at nucleotide position 214. The tyrosine at codon 72 is replaced by histidine, an amino acid with similar properties. This amino acid position is highly conserved in available vertebrate species. In addition, the in silico prediction for this alteration is inconclusive. Since supporting evidence is limited at this time, the clinical significance of this alteration remains unclear.